The following is an entry in ClinVar:

NM_007294.4(BRCA1):c.5043T>G (p.Thr1681=)

Gene: BRCA1 (BRCA1 DNA repair associated; minus strand). Cytogenetic location: 17q21.31.
Variant type: single nucleotide variant.
Coding change: c.5043T>G on transcript NM_007294.4 (MANE Select); coding-DNA position 5043, T replaced by G.
Protein change: p.Thr1681=; no amino-acid change (threonine 1681 retained).
Molecular consequence: synonymous variant. On other transcripts: intron variant (1).
Genome position (GRCh38, 1-based): chr17:43,067,639, A>C on the plus strand (T>G on the coding strand, the complement: BRCA1 is on the minus strand). VCF-style: chr17-43067639-A-C. GRCh37 (hg19) VCF-style: chr17-41219656-A-C.
Other names: c.4899T>G, p.Thr1633= (NM_001407739.1, NM_001407740.1, NM_001407741.1 and 21 more transcripts); c.4896T>G, p.Thr1632= (NM_001407838.1, NM_001407839.1, NM_001407841.1 and 12 more transcripts); c.5043T>G, p.Thr1681= (NM_001407854.1, NM_001407593.1, NM_001407594.1 and 8 more transcripts); c.5040T>G, p.Thr1680= (NM_001407858.1, NM_001407859.1, NM_001407860.1 and 17 more transcripts); c.5037T>G, p.Thr1679= (NM_001407861.1, NM_001407627.1, NM_001407628.1 and 14 more transcripts); c.4842T>G, p.Thr1614= (NM_001407862.1); c.4917T>G, p.Thr1639= (NM_001407863.1, NM_001407939.1, NM_001407940.1 and 11 more transcripts); c.4836T>G, p.Thr1612= (NM_001407874.1, NM_001407875.1); and 71 more.
Identifiers: ClinVar variation 864876 (VCV000864876.3), dbSNP rs1567772105, ClinGen allele CA500146336.

Conditions:
Breast-ovarian cancer, familial, susceptibility to, 1 (BROVCA1). Also called: BRCA1 Hereditary Breast and Ovarian Cancer; OVARIAN CANCER, SUSCEPTIBILITY TO. Identifiers: Orphanet 145, MedGen C2676676, MONDO:0011450, OMIM 604370. Disease mechanism: loss of function.

Submission:

Brotman Baty Institute, University of Washington
No classification provided (evidence only). Condition: Breast-ovarian cancer, familial 1. Review status: no classification provided. Collection method: in vitro. Allele origin: not applicable. Functional consequence: functionally_normal.
ClinVar note: "not provided" was previously submitted as the classification for the variant. However, the classification appeared to be based only on an observation of functional data so it was converted to no classification on 2025-07-30.